The following is an entry in ClinVar:

NM_007374.3(SIX6):c.216T>A (p.His72Gln)

Genes: C14orf39 (chromosome 14 open reading frame 39; minus strand), SIX6 (SIX homeobox 6; plus strand). Cytogenetic location: 14q23.1.
Variant type: single nucleotide variant.
Coding change: c.216T>A on transcript NM_007374.3 (MANE Select); coding-DNA position 216, T replaced by A.
Protein change: p.His72Gln; replaces histidine 72 with glutamine.
Molecular consequence: missense variant.
Genome position (GRCh38, 1-based): chr14:60,509,614, T>A. VCF-style: chr14-60509614-T-A. GRCh37 (hg19) VCF-style: chr14-60976332-T-A.
Other names: short protein forms H72Q.
Identifiers: ClinVar variation 2046768 (VCV002046768.4), dbSNP rs201846510, ClinGen allele CA262195807.

ClinVar aggregate classification (germline): Uncertain significance (1 of 4 stars; one submission).

Allele frequency attached by ClinVar (database versions not stated): gnomAD exomes 0.00001; 1000 Genomes Project 30x 0.00016; 1000 Genomes Project 0.00020.
gnomAD v4.1: 7 of 1,613,700 alleles (0.00043%); highest among the groups gnomAD compares: Middle Eastern, 0.033%; no homozygotes.

Submission:

Labcorp Genetics (formerly Invitae), Labcorp
Classification: Uncertain significance. Last evaluated: 2022-03-19. Review status: criteria provided, single submitter. Criteria: Invitae Variant Classification Sherloc (09022015). Collection method: clinical testing. Allele origin: germline.
Comment: Algorithms developed to predict the effect of missense changes on protein structure and function (SIFT, PolyPhen-2, Align-GVGD) all suggest that this variant is likely to be tolerated. This variant has not been reported in the literature in individuals affected with SIX6-related conditions. This variant is present in population databases (rs201846510, gnomAD 0.01%). This sequence change replaces histidine, which is basic and polar, with glutamine, which is neutral and polar, at codon 72 of the SIX6 protein (p.His72Gln). In summary, the available evidence is currently insufficient to determine the role of this variant in disease. Therefore, it has been classified as a Variant of Uncertain Significance.